The following is an entry in ClinVar:

NM_000156.6(GAMT):c.*89C>A

Gene: GAMT (guanidinoacetate N-methyltransferase; minus strand). Cytogenetic location: 19p13.3.
Variant type: single nucleotide variant.
Coding change: c.*89C>A on transcript NM_000156.6 (MANE Select); 89 bases downstream of the stop codon, C replaced by A.
Molecular consequence: 3 prime UTR variant.
Genome position (GRCh38, 1-based): chr19:1,397,270, G>T on the plus strand (C>A on the coding strand, the complement: GAMT is on the minus strand). VCF-style: chr19-1397270-G-T. GRCh37 (hg19) VCF-style: chr19-1397269-G-T.
Identifiers: ClinVar variation 889369 (VCV000889369.7), dbSNP rs558767159, ClinGen allele CA304061768.
Genomic context (GRCh38, chr19:1,397,270, plus strand): 5'-CCCTGGGCTGGTGGGACCCCTCACAGAGAAGCCGGGAAAGCTTCTGGTGACACACAGCTG[G>T]GATCAGCCCAGGGCTGGTGCGACACCCTGGACTCCCGGCCAGGAAGGCACGGAGGAGGGC-3'

ClinVar aggregate classification (germline): Likely benign. Review status: criteria provided, multiple submitters, no conflicts (2 of 4 stars). 2 submissions from 2 submitters: Likely benign (2). Last evaluated 2018-07-26.

Conditions:
Deficiency of guanidinoacetate methyltransferase (CCDS2). Also called: GAMT DEFICIENCY; CEREBRAL CREATINE DEFICIENCY SYNDROME 2; Guanidinoacetate Methyltransferase (GAMT) Deficiency. Identifiers: Orphanet 382, MedGen C0574080, MONDO:0012999, OMIM 612736.

Allele frequency attached by ClinVar (database versions not stated): 1000 Genomes Project 0.00240; 1000 Genomes Project 30x 0.00250; gnomAD 0.00362 and 0.00333; TOPMed 0.00364.
gnomAD v4.1: 1,188 of 1,455,866 alleles (0.082%); highest among the groups gnomAD compares: African/African-American, 1%; 3 homozygotes.

Submissions (2):

GeneDx
Classification: Likely benign. Last evaluated: 2018-07-26. Review status: criteria provided, single submitter. Criteria: GeneDx Variant Classification Process June 2021. Collection method: clinical testing. Allele origin: germline. Affected: yes.

Illumina Laboratory Services, Illumina
Classification: Likely benign for Deficiency of guanidinoacetate methyltransferase. Last evaluated: 2018-01-12. Review status: criteria provided, single submitter. Criteria: ICSL Variant Classification Criteria 13 December 2019. Collection method: clinical testing. Allele origin: germline.
Comment: This variant was observed in the ICSL laboratory as part of a predisposition screen in an ostensibly healthy population. It had not been previously curated by ICSL or reported in the Human Gene Mutation Database (HGMD: prior to June 1st, 2018), and was therefore a candidate for classification through an automated scoring system. Utilizing variant allele frequency, disease prevalence and penetrance estimates, and inheritance mode, an automated score was calculated to assess if this variant is too frequent to cause the disease. Based on the score and internal cut-off values, a variant classified as likely benign is not then subjected to further curation. The score for this variant resulted in a classification of likely benign for this disease.